The following is an entry in ClinVar:

ClinVar aggregate classification (germline): Uncertain significance (1 of 4 stars; one submission).

Conditions:
BBS9-related disorder. Also called: BBS9-related condition.

Submission:

PreventionGenetics, part of Exact Sciences
Classification: Uncertain significance for BBS9-related condition. Last evaluated: 2026-02-27. Review status: criteria provided, single submitter. Criteria: ACMG Guidelines, 2015. Collection method: clinical testing. Allele origin: germline.
Comment: The BBS9 c.1771C>T variant is predicted to result in the amino acid substitution p.Leu591Phe. To our knowledge, this variant has not been reported in the literature or in a large population database (gnomAD), indicating this variant is rare. At this time, the clinical significance of this variant is uncertain due to the absence of conclusive functional and genetic evidence.

NM_198428.3(BBS9):c.1771C>T (p.Leu591Phe)

Gene: BBS9 (Bardet-Biedl syndrome 9; plus strand). Cytogenetic location: 7p14.3.
Variant type: single nucleotide variant.
Coding change: c.1771C>T on transcript NM_198428.3 (MANE Select); coding-DNA position 1771, C replaced by T.
Protein change: p.Leu591Phe; replaces leucine 591 with phenylalanine.
Molecular consequence: missense variant. On other transcripts: non-coding transcript variant (3).
Genome position (GRCh38, 1-based): chr7:33,367,844, C>T. VCF-style: chr7-33367844-C-T. GRCh37 (hg19) VCF-style: chr7-33407456-C-T.
Other names: c.1666C>T, p.Leu556Phe (NM_001033604.2); c.1756C>T, p.Leu586Phe (NM_001033605.2); c.1771C>T, p.Leu591Phe (NM_001348036.1, NM_001348041.4, NM_001348043.3 and 1 more transcripts); c.1405C>T, p.Leu469Phe (NM_001348037.3, NM_001348045.3, NM_001348046.3); c.1498C>T, p.Leu500Phe (NM_001348038.3); c.1393C>T, p.Leu465Phe (NM_001348039.3); c.1651C>T, p.Leu551Phe (NM_001348040.3, NM_014451.4); c.1636C>T, p.Leu546Phe (NM_001348042.3); and 1 more; short protein forms L500F, L465F, L434F, L469F, L546F, L591F, L551F, L556F.
Identifiers: ClinVar variation 4986835 (VCV004986835.1).
Genomic context (GRCh38, chr7:33,367,844, plus strand): 5'-GATGATGATCAGGTGAATGTAATGGGTTTTCACTTCTTAGGAGGTGCTCGAATTACTGTT[C>T]TTGCTTCCAAAACTTCTCGTAAGTAAAACCATGTTATCATTGCTTTTTAAATTTTTTTCT-3'
Protein context (NP_940820.1, residues 581-601): HFLGGARITV[Leu591Phe]ASKTSQRYRI